The following is an entry in ClinVar:

ClinVar aggregate classification (germline): Uncertain significance (1 of 4 stars; one submission).

gnomAD v4.1: 16 of 1,599,958 alleles (0.001%); highest among the groups gnomAD compares: Middle Eastern, 0.067%; 1 homozygote.

Submission:

CeGaT Center for Human Genetics Tuebingen
Classification: Uncertain significance. Last evaluated: 2026-04-01. Review status: criteria provided, single submitter. Criteria: CeGaT Center For Human Genetics Tuebingen Variant Classification Criteria Version 2. Collection method: clinical testing. Allele origin: germline. Affected: yes. Observed: 1 variant allele.
Comment: NALCN: PM2, BP4

NM_052867.4(NALCN):c.3058-3C>T

Gene: NALCN (sodium leak channel, non-selective; minus strand). Cytogenetic location: 13q33.1.
Variant type: single nucleotide variant.
Coding change: c.3058-3C>T on transcript NM_052867.4 (MANE Select); 3 bases into the intron before coding-DNA position 3058, C replaced by T.
Molecular consequence: intron variant.
Genome position (GRCh38, 1-based): chr13:101,100,891, G>A on the plus strand (C>T on the coding strand, the complement: NALCN is on the minus strand). VCF-style: chr13-101100891-G-A. GRCh37 (hg19) VCF-style: chr13-101753242-G-A.
Other names: c.2971-3C>T (NM_001350751.2, NM_001350750.2); c.3058-3C>T (NM_001350749.2); c.3145-3C>T (NM_001350748.2).
Identifiers: ClinVar variation 4873045 (VCV004873045.2).